The following is an entry in ClinVar:

NM_001369369.1(FOXN1):c.542G>A (p.Cys181Tyr)

Gene: FOXN1 (forkhead box N1; plus strand). Cytogenetic location: 17q11.2.
Variant type: single nucleotide variant.
Coding change: c.542G>A on transcript NM_001369369.1 (MANE Select); coding-DNA position 542, G replaced by A.
Protein change: p.Cys181Tyr; replaces cysteine 181 with tyrosine.
Molecular consequence: missense variant.
Genome position (GRCh38, 1-based): chr17:28,524,921, G>A. VCF-style: chr17-28524921-G-A. GRCh37 (hg19) VCF-style: chr17-26851939-G-A.
Other names: c.542G>A, p.Cys181Tyr (NM_003593.3); short protein forms C181Y.
Identifiers: ClinVar variation 3620358 (VCV003620358.2).

ClinVar aggregate classification (germline): Uncertain significance (1 of 4 stars; one submission).

Conditions:
T-cell immunodeficiency, congenital alopecia, and nail dystrophy. Also called: Congenital alopecia and nail dystrophy associated with severe functional T-cell immunodeficiency; Pignata Guarino syndrome. Identifiers: Orphanet 169095, MedGen C1866426, MONDO:0011132, OMIM 601705.

gnomAD v4.1: 6 of 1,612,810 alleles (0.00037%); highest among the groups gnomAD compares: Non-Finnish European, 0.00034%; no homozygotes.

Submission:

Labcorp Genetics (formerly Invitae), Labcorp
Classification: Uncertain significance for T-cell immunodeficiency, congenital alopecia, and nail dystrophy. Last evaluated: 2025-09-22. Review status: criteria provided, single submitter. Criteria: Invitae Variant Classification Sherloc (09022015). Collection method: clinical testing. Allele origin: germline.
Comment: This sequence change replaces cysteine, which is neutral and slightly polar, with tyrosine, which is neutral and polar, at codon 181 of the FOXN1 protein (p.Cys181Tyr). This variant is present in population databases (no rsID available, gnomAD 0.003%). This variant has not been reported in the literature in individuals affected with FOXN1-related conditions. ClinVar contains an entry for this variant (Variation ID: 3620358). Invitae Evidence Modeling of protein sequence and biophysical properties (such as structural, functional, and spatial information, amino acid conservation, physicochemical variation, residue mobility, and thermodynamic stability) indicates that this missense variant is not expected to disrupt FOXN1 protein function with a negative predictive value of 80%. In summary, the available evidence is currently insufficient to determine the role of this variant in disease. Therefore, it has been classified as a Variant of Uncertain Significance.